The following is an entry in ClinVar:

ClinVar aggregate classification (germline): Uncertain significance (1 of 4 stars; one submission).

Submission:

Ambry Genetics
Classification: Uncertain significance. Last evaluated: 2023-01-02. Review status: criteria provided, single submitter. Criteria: Ambry Variant Classification Scheme 2023. Collection method: clinical testing. Allele origin: germline.
Comment: The p.V407A variant (also known as c.1220T>C), located in coding exon 13 of the NPAT gene, results from a T to C substitution at nucleotide position 1220. The valine at codon 407 is replaced by alanine, an amino acid with similar properties. This amino acid position is conserved. In addition, this alteration is predicted to be tolerated by in silico analysis. Since supporting evidence is limited at this time, the clinical significance of this alteration remains unclear.

NM_002519.3(NPAT):c.1220T>C (p.Val407Ala)

Gene: NPAT (nuclear protein, coactivator of histone transcription; minus strand). Cytogenetic location: 11q22.3.
Variant type: single nucleotide variant.
Coding change: c.1220T>C on transcript NM_002519.3 (MANE Select); coding-DNA position 1220, T replaced by C.
Protein change: p.Val407Ala; replaces valine 407 with alanine.
Molecular consequence: missense variant.
Genome position (GRCh38, 1-based): chr11:108,173,764, A>G on the plus strand (T>C on the coding strand, the complement: NPAT is on the minus strand). VCF-style: chr11-108173764-A-G. GRCh37 (hg19) VCF-style: chr11-108044491-A-G.
Other names: c.1220T>C, p.Val407Ala (NM_001321307.1); short protein forms V407A.
Identifiers: ClinVar variation 2447454 (VCV002447454.2), dbSNP rs2496722133, ClinGen allele CA382515968.